The following is an entry in ClinVar:

ClinVar aggregate classification (germline): Uncertain significance (1 of 4 stars; one submission).

Allele frequency attached by ClinVar (database versions not stated): TOPMed below 0.00001.

Submission:

Labcorp Genetics (formerly Invitae), Labcorp
Classification: Uncertain significance. Last evaluated: 2025-10-08. Review status: criteria provided, single submitter. Criteria: Invitae Variant Classification Sherloc (09022015). Collection method: clinical testing. Allele origin: germline.
Comment: This sequence change replaces cysteine, which is neutral and slightly polar, with tryptophan, which is neutral and slightly polar, at codon 111 of the ADCY5 protein (p.Cys111Trp). This variant is not present in population databases (gnomAD no frequency). This variant has not been reported in the literature in individuals affected with ADCY5-related conditions. ClinVar contains an entry for this variant (Variation ID: 1445995). Invitae Evidence Modeling of protein sequence and biophysical properties (such as structural, functional, and spatial information, amino acid conservation, physicochemical variation, residue mobility, and thermodynamic stability) indicates that this missense variant is not expected to disrupt ADCY5 protein function with a negative predictive value of 95%. In summary, the available evidence is currently insufficient to determine the role of this variant in disease. Therefore, it has been classified as a Variant of Uncertain Significance.

NM_183357.3(ADCY5):c.333C>G (p.Cys111Trp)

Gene: ADCY5 (adenylate cyclase 5; minus strand). Cytogenetic location: 3q21.1.
Variant type: single nucleotide variant.
Coding change: c.333C>G on transcript NM_183357.3 (MANE Select); coding-DNA position 333, C replaced by G.
Protein change: p.Cys111Trp; replaces cysteine 111 with tryptophan.
Molecular consequence: missense variant.
Genome position (GRCh38, 1-based): chr3:123,448,213, G>C on the plus strand (C>G on the coding strand, the complement: ADCY5 is on the minus strand). VCF-style: chr3-123448213-G-C. GRCh37 (hg19) VCF-style: chr3-123167060-G-C.
Other names: c.333C>G, p.Cys111Trp (NM_001378259.1); short protein forms C111W.
Identifiers: ClinVar variation 1445995 (VCV001445995.6), dbSNP rs1945864678, ClinGen allele CA354358307.